The following is an entry in ClinVar:

NM_001379500.1(COL18A1):c.2107C>T (p.Pro703Ser)

Gene: COL18A1 (collagen type XVIII alpha 1 chain; plus strand). Cytogenetic location: 21q22.3.
Variant type: single nucleotide variant.
Coding change: c.2107C>T on transcript NM_001379500.1 (MANE Select); coding-DNA position 2107, C replaced by T.
Protein change: p.Pro703Ser; replaces proline 703 with serine.
Molecular consequence: missense variant.
Genome position (GRCh38, 1-based): chr21:45,491,264, C>T. VCF-style: chr21-45491264-C-T. GRCh37 (hg19) VCF-style: chr21-46911178-C-T.
Other names: NM_130445.2:c.2107C>T; c.2647C>T, p.Pro883Ser (NM_030582.4); c.3352C>T, p.Pro1118Ser (NM_130444.3); short protein forms P883S, P1118S, P703S.
Identifiers: ClinVar variation 895210 (VCV000895210.7), dbSNP rs755064694, ClinGen allele CA10066804.
Genomic context (GRCh38, chr21:45,491,264, plus strand): 5'-ACGCGTGGCCTCCTCTTCCAGGGAGATCCAGGGAAGGACGGAGTCGGGCAGCCGGGCCTC[C>T]CTGGCCCCCCCGGACCCCCGGGACCTGTGGTCTACGTGTCGGAGCAGGACGTAAGGACGC-3'
Protein context (NP_001366429.1, residues 693-713): GKDGVGQPGL[Pro703Ser]GPPGPPGPVV

ClinVar aggregate classification (germline): Uncertain significance. Review status: criteria provided, multiple submitters, no conflicts (2 of 4 stars). 3 submissions from 3 submitters: Uncertain significance (3). Last evaluated 2024-05-13.

Conditions:
Inborn genetic diseases. Identifiers: MedGen C0950123, MeSH D030342.
Knobloch syndrome (KNO). Also called: RETINAL DETACHMENT AND OCCIPITAL ENCEPHALOCELE; Myopia retinal detachment encephalocele. Identifiers: Orphanet 1571, MedGen C1849409, MONDO:0800166.

Allele frequency attached by ClinVar (database versions not stated): gnomAD exomes 0.00001 and 0.00002; ExAC 0.00002; TOPMed 0.00003; gnomAD 0.00007.
gnomAD v4.1: 20 of 1,612,246 alleles (0.0012%); highest among the groups gnomAD compares: African/African-American, 0.02%; no homozygotes.

Submissions (3):

Ambry Genetics
Classification: Uncertain significance for Inborn genetic diseases. Last evaluated: 2024-05-13. Review status: criteria provided, single submitter. Criteria: Ambry Variant Classification Scheme 2023. Collection method: clinical testing. Allele origin: germline.

Labcorp Genetics (formerly Invitae), Labcorp
Classification: Uncertain significance. Last evaluated: 2022-11-01. Review status: criteria provided, single submitter. Criteria: Invitae Variant Classification Sherloc (09022015). Collection method: clinical testing. Allele origin: germline.
Comment: This sequence change replaces proline, which is neutral and non-polar, with serine, which is neutral and polar, at codon 703 of the COL18A1 protein (p.Pro703Ser). The frequency data for this variant in the population databases is considered unreliable, as metrics indicate poor data quality at this position in the gnomAD database. This variant has not been reported in the literature in individuals affected with COL18A1-related conditions. ClinVar contains an entry for this variant (Variation ID: 895210). Experimental studies and prediction algorithms are not available or were not evaluated, and the functional significance of this variant is currently unknown. In summary, the available evidence is currently insufficient to determine the role of this variant in disease. Therefore, it has been classified as a Variant of Uncertain Significance.

Illumina Laboratory Services, Illumina
Classification: Uncertain significance for Knobloch syndrome 1. Last evaluated: 2018-01-13. Review status: criteria provided, single submitter. Criteria: ICSL Variant Classification Criteria 13 December 2019. Collection method: clinical testing. Allele origin: germline.